The following is an entry in ClinVar:

NM_000492.4(CFTR):c.4267C>G (p.Gln1423Glu)

Genes: CFTR (CF transmembrane conductance regulator; plus strand), LOC111674477 (CFTR intron 23 enhancer; plus strand). Cytogenetic location: 7q31.2.
Variant type: single nucleotide variant.
Coding change: c.4267C>G on transcript NM_000492.4 (MANE Select); coding-DNA position 4267, C replaced by G.
Protein change: p.Gln1423Glu; replaces glutamine 1423 with glutamic acid.
Molecular consequence: missense variant.
Genome position (GRCh38, 1-based): chr7:117,666,932, C>G. VCF-style: chr7-117666932-C-G. GRCh37 (hg19) VCF-style: chr7-117306986-C-G.
Other names: short protein forms Q1423E.
Identifiers: ClinVar variation 3491682 (VCV003491682.1).

ClinVar aggregate classification (germline): Uncertain significance (1 of 4 stars; one submission).

Conditions:
Cystic fibrosis (CF). Also called: MUCOVISCIDOSIS. Identifiers: Orphanet 586, MedGen C0010674, MONDO:0009061, OMIM 219700. Disease mechanism: loss of function.

Submission:

Ambry Genetics
Classification: Uncertain significance for Cystic fibrosis. Last evaluated: 2024-10-17. Review status: criteria provided, single submitter. Criteria: Ambry Variant Classification Scheme 2023. Collection method: clinical testing. Allele origin: germline.
Comment: The p.Q1423E variant (also known as c.4267C>G), located in coding exon 27 of the CFTR gene, results from a C to G substitution at nucleotide position 4267. The glutamine at codon 1423 is replaced by glutamic acid, an amino acid with highly similar properties. This amino acid position is conserved. In addition, this alteration is predicted to be tolerated by in silico analysis. Based on the available evidence, the clinical significance of this variant remains unclear.